The following is an entry in ClinVar:

ClinVar aggregate classification (germline): Conflicting classifications of pathogenicity. Review status: criteria provided, conflicting classifications (1 of 4 stars). 2 submissions from 2 submitters: Uncertain significance (1); Likely benign (1). Last evaluated 2025-03-04.

Conditions:
Cardiovascular phenotype. Identifiers: MedGen CN230736.
Hereditary cancer-predisposing syndrome. Also called: Hereditary neoplastic syndrome; Tumor predisposition; Neoplastic Syndromes, Hereditary; Hereditary Cancer Syndrome. Identifiers: Orphanet 140162, MedGen C0027672, MeSH D009386, MONDO:0015356.
Neurofibromatosis, type 1 (NF1). Also called: VON RECKLINGHAUSEN DISEASE; NEUROFIBROMATOSIS, TYPE I, SOMATIC; Peripheral type neurofibromatosis; Neurofibromatosis, type I. Identifiers: Orphanet 636, MedGen C0027831, MONDO:0018975, OMIM 162200. Disease mechanism: loss of function.

Submissions (2):

Labcorp Genetics (formerly Invitae), Labcorp
Classification: Likely benign for Neurofibromatosis, type 1. Last evaluated: 2025-03-04. Review status: criteria provided, single submitter. Criteria: Invitae Variant Classification Sherloc (09022015). Collection method: clinical testing. Allele origin: germline.

Ambry Genetics
Classification: Uncertain significance for Cardiovascular phenotype; Hereditary cancer-predisposing syndrome. Last evaluated: 2023-10-02. Review status: criteria provided, single submitter. Criteria: Ambry Variant Classification Scheme 2023. Collection method: clinical testing. Allele origin: germline.
Comment: The c.3198-4_3198-3insGT intronic variant begins 4 nucleotides before coding exon 25 in the NF1 gene. This variant results from a deletion of 2 nucleotides at positions c.3198-4 to c.3198-3. This nucleotide position is poorly conserved in available vertebrate species. In silico splice site analysis for this alteration is inconclusive and direct evidence is insufficient at this time (Ambry internal data). Since supporting evidence is limited at this time, the clinical significance of this alteration remains unclear.

NM_001042492.3(NF1):c.3198-4_3198-3insGT

Gene: NF1 (neurofibromin 1; plus strand). Cytogenetic location: 17q11.2.
Variant type: Insertion.
Coding change: c.3198-4_3198-3insGT on transcript NM_001042492.3 (MANE Select); 4 bases into the intron before coding-DNA position 3198 through 3 bases into the intron before coding-DNA position 3198, GT inserted.
Molecular consequence: intron variant.
Genome position: GRCh38 VCF-style: chr17-31232068-T-TTG. GRCh37 (hg19) VCF-style: chr17-29559086-T-TTG.
Other names: c.3198-4_3198-3insGT (NM_000267.4).
Identifiers: ClinVar variation 954167 (VCV000954167.7), dbSNP rs745559136, ClinGen allele CA1139665332.